The following is an entry in ClinVar:

ClinVar aggregate classification (germline): Uncertain significance (1 of 4 stars; one submission).

gnomAD v4.1: 122 of 1,535,952 alleles (0.0079%); highest among the groups gnomAD compares: South Asian, 0.044%; no homozygotes.

Submission:

CeGaT Center for Human Genetics Tuebingen
Classification: Uncertain significance. Last evaluated: 2025-03-01. Review status: criteria provided, single submitter. Criteria: CeGaT Center For Human Genetics Tuebingen Variant Classification Criteria Version 2. Collection method: clinical testing. Allele origin: germline. Affected: yes. Observed: 1 variant allele.
Comment: DOK7: PM2, BP4

NM_001301071.2(DOK7):c.1591G>A (p.Gly531Ser)

Gene: DOK7 (docking protein 7; plus strand). Cytogenetic location: 4p16.3.
Variant type: single nucleotide variant.
Coding change: c.1591G>A on transcript NM_001301071.2; coding-DNA position 1591, G replaced by A.
Protein change: p.Gly531Ser; replaces glycine 531 with serine.
Molecular consequence: missense variant.
Genome position (GRCh38, 1-based): chr4:3,500,301, G>A. VCF-style: chr4-3500301-G-A. GRCh37 (hg19) VCF-style: chr4-3502028-G-A.
Other names: c.1159G>A, p.Gly387Ser (NM_001363811.2); short protein forms G387S, G531S.
Identifiers: ClinVar variation 3778106 (VCV003778106.7).